The following is an entry in ClinVar:

ClinVar aggregate classification (germline): Benign (1 of 4 stars; one submission).

Conditions:
Retinitis pigmentosa (RP). Identifiers: Orphanet 791, MedGen C0035334, MeSH D012174, MONDO:0019200, OMIM 268000. Inheritance: Autosomal dominant, autosomal recessive and X linked inheritance.

Allele frequency attached by ClinVar (database versions not stated): 1000 Genomes Project 0.01737; 1000 Genomes Project 30x 0.01889; gnomAD 0.01449 and 0.01564; TOPMed 0.01638.

Submission:

Illumina Laboratory Services, Illumina
Classification: Benign for Retinitis pigmentosa. Last evaluated: 2018-01-12. Review status: criteria provided, single submitter. Criteria: ICSL Variant Classification Criteria 13 December 2019. Collection method: clinical testing. Allele origin: germline.
Comment: This variant was observed in the ICSL laboratory as part of a predisposition screen in an ostensibly healthy population. It had not been previously curated by ICSL or reported in the Human Gene Mutation Database (HGMD: prior to June 1st, 2018), and was therefore a candidate for classification through an automated scoring system. Utilizing variant allele frequency, disease prevalence and penetrance estimates, and inheritance mode, an automated score was calculated to assess if this variant is too frequent to cause the disease. Based on the score and internal cut-off values, a variant classified as benign is not then subjected to further curation. The score for this variant resulted in a classification of benign for this disease.

NM_002098.6(GUCA1B):c.*928A>G

Gene: GUCA1B (guanylate cyclase activator 1B; minus strand). Cytogenetic location: 6p21.1.
Variant type: single nucleotide variant.
Coding change: c.*928A>G on transcript NM_002098.6 (MANE Select); 928 bases downstream of the stop codon, A replaced by G.
Molecular consequence: 3 prime UTR variant.
Genome position (GRCh38, 1-based): chr6:42,183,887, T>C on the plus strand (A>G on the coding strand, the complement: GUCA1B is on the minus strand). VCF-style: chr6-42183887-T-C. GRCh37 (hg19) VCF-style: chr6-42151625-T-C.
Identifiers: ClinVar variation 356708 (VCV000356708.6), dbSNP rs114824449, ClinGen allele CA10626816.